The following is an entry in ClinVar:

NM_005045.4(RELN):c.6827T>C (p.Ile2276Thr)

Gene: RELN (reelin; minus strand). Cytogenetic location: 7q22.1.
Variant type: single nucleotide variant.
Coding change: c.6827T>C on transcript NM_005045.4 (MANE Select); coding-DNA position 6827, T replaced by C.
Protein change: p.Ile2276Thr; replaces isoleucine 2276 with threonine.
Molecular consequence: missense variant.
Genome position (GRCh38, 1-based): chr7:103,540,300, A>G on the plus strand (T>C on the coding strand, the complement: RELN is on the minus strand). VCF-style: chr7-103540300-A-G. GRCh37 (hg19) VCF-style: chr7-103180747-A-G.
Other names: c.6827T>C, p.Ile2276Thr (NM_173054.3); short protein forms I2276T.
Identifiers: ClinVar variation 951889 (VCV000951889.9), dbSNP rs748141276, ClinGen allele CA4420873.

ClinVar aggregate classification (germline): Uncertain significance (1 of 4 stars; one submission).

Conditions:
Norman-Roberts syndrome (LIS2). Also called: Lissencephaly 2 (Norman-Roberts type). Identifiers: Orphanet 89844, MedGen C0796089, MONDO:0009760, OMIM 257320.
Familial temporal lobe epilepsy 7. Identifiers: Orphanet 101046, MedGen C4225327, MONDO:0014639, OMIM 616436.

Allele frequency attached by ClinVar (database versions not stated): gnomAD exomes below 0.00001 and 0.00001; TOPMed 0.00001; ExAC 0.00002.
gnomAD v4.1: 3 of 1,614,222 alleles (0.00019%); highest among the groups gnomAD compares: Non-Finnish European, 0.00017%; no homozygotes.

Submission:

Labcorp Genetics (formerly Invitae), Labcorp
Classification: Uncertain significance for Familial temporal lobe epilepsy 7; Norman-Roberts syndrome. Last evaluated: 2021-03-06. Review status: criteria provided, single submitter. Criteria: Invitae Variant Classification Sherloc (09022015). Collection method: clinical testing. Allele origin: germline.
Comment: This sequence change replaces isoleucine with threonine at codon 2276 of the RELN protein (p.Ile2276Thr). The isoleucine residue is moderately conserved and there is a moderate physicochemical difference between isoleucine and threonine. In summary, the available evidence is currently insufficient to determine the role of this variant in disease. Therefore, it has been classified as a Variant of Uncertain Significance. Algorithms developed to predict the effect of missense changes on protein structure and function are either unavailable or do not agree on the potential impact of this missense change (SIFT: "Deleterious"; PolyPhen-2: "Possibly Damaging"; Align-GVGD: "Class C0"). This variant has not been reported in the literature in individuals with RELN-related conditions. This variant is present in population databases (rs748141276, ExAC 0.004%).